The following is an entry in ClinVar:

ClinVar aggregate classification (germline): Pathogenic. Review status: criteria provided, multiple submitters, no conflicts (2 of 4 stars). 5 submissions from 5 submitters: Pathogenic (5). Last evaluated 2024-10-09.

Conditions:
Inborn genetic diseases. Identifiers: MedGen C0950123, MeSH D030342.
Wiedemann-Steiner syndrome (WDSTS). Also called: Growth deficiency and mental retardation with facial dysmorphism. Identifiers: Orphanet 319182, MedGen C1854630, MONDO:0011518, OMIM 605130.

Submissions (5):

Victorian Clinical Genetics Services, Murdoch Childrens Research Institute
Classification: Pathogenic for Wiedemann-Steiner syndrome. Last evaluated: 2024-10-09. Review status: criteria provided, single submitter. Criteria: ACMG Guidelines, 2015. Collection method: clinical testing. Allele origin: germline. Inheritance: Autosomal dominant inheritance. Affected: yes.
Comment: Based on the classification scheme VCGS_Germline_v1.3.4, this variant is classified as Pathogenic. Following criteria are met: 0102 - Loss of function is a known mechanism of disease in this gene and is associated with Wiedemann-Steiner syndrome (MIM#605130). (I) 0107 - This gene is associated with autosomal dominant disease. (I) 0201 - Variant is predicted to cause nonsense-mediated decay (NMD) and loss of protein (premature termination codon is located at least 54 nucleotides upstream of the final exon-exon junction). (SP) 0251 - This variant is heterozygous. (I) 0301 - Variant is absent from gnomAD (both v2 and v3). (SP) 0701 - Other NMD-predicted variants comparable to the one identified in this case have very strong previous evidence for pathogenicity (DECIPHER). (SP) 0801 - This variant has strong previous evidence of pathogenicity in unrelated individuals. It has been reported as pathogenic by multiple clinical laboratories (ClinVar), and has been reported in the literature once in an individual with Wiedermann-Steiner syndrome (PMID: 35163737). (SP) Legend: (SP) - Supporting pathogenic, (I) - Information, (SB) - Supporting benign

Dasa
Classification: Pathogenic for Wiedemann-Steiner syndrome. Last evaluated: 2022-02-14. Review status: criteria provided, single submitter. Criteria: ACMG Guidelines, 2015. Collection method: clinical testing. Allele origin: germline. Affected: yes. Observed: 1 variant allele.
Comment: The c.3451C>T;p.(Arg1151*) variant creates a premature translational stop signal in the KMT2A gene. It is expected to result in an absent or disrupted protein product - PVS1. This sequence change has been observed in affected individual(s) and ClinVar contains an entry for this variant (ClinVar ID: 521403) - PS4_supporting. This variant is not present in population databases (rs868985556, gnomAD; ABraOM no frequency) - PM2. In summary, the currently available evidence indicates that the variant is pathogenic.

GeneDx
Classification: Pathogenic. Last evaluated: 2021-12-08. Review status: criteria provided, single submitter. Criteria: GeneDx Variant Classification Process June 2021. Collection method: clinical testing. Allele origin: germline. Affected: yes.
Comment: Identified in a patient with Wiedemann-Steiner syndrome in published literature (Sheppard SE et al., 2021); Nonsense variant predicted to result in protein truncation or nonsense mediated decay in a gene for which loss-of-function is a known mechanism of disease; Not observed at significant frequency in large population cohorts (gnomAD); This variant is associated with the following publications: (PMID: 33783954)

Labcorp Genetics (formerly Invitae), Labcorp
Classification: Pathogenic. Last evaluated: 2020-09-01. Review status: criteria provided, single submitter. Criteria: Invitae Variant Classification Sherloc (09022015). Collection method: clinical testing. Allele origin: germline.
Comment: For these reasons, this variant has been classified as Pathogenic. Loss-of-function variants in KMT2A are known to be pathogenic (PMID: 22795537, 25810209, 29574747). This variant has not been reported in the literature in individuals with KMT2A-related conditions. ClinVar contains an entry for this variant (Variation ID: 521403). This variant is not present in population databases (ExAC no frequency). This sequence change creates a premature translational stop signal (p.Arg1151*) in the KMT2A gene. It is expected to result in an absent or disrupted protein product.

Ambry Genetics
Classification: Pathogenic for Inborn genetic diseases. Last evaluated: 2016-11-18. Review status: criteria provided, single submitter. Criteria: Ambry exome assertion method (8-5-2015). Collection method: clinical testing. Allele origin: germline. Affected: yes. Observed: 1 variant allele.

Literature cited by the submitters: PubMed 35163737 (cited by Victorian Clinical Genetics Services, Murdoch Childrens Research Institute); PubMed 22795537 (cited by Labcorp Genetics (formerly Invitae), Labcorp); PubMed 25810209 (cited by Labcorp Genetics (formerly Invitae), Labcorp); PubMed 29574747 (cited by Labcorp Genetics (formerly Invitae), Labcorp).

NM_001197104.2(KMT2A):c.3451C>T (p.Arg1151Ter)

Gene: KMT2A (lysine methyltransferase 2A; plus strand). Cytogenetic location: 11q23.3.
Variant type: single nucleotide variant.
Coding change: c.3451C>T on transcript NM_001197104.2 (MANE Select); coding-DNA position 3451, C replaced by T.
Protein change: p.Arg1151Ter; replaces arginine 1151 with a stop codon.
Molecular consequence: nonsense.
Genome position (GRCh38, 1-based): chr11:118,478,083, C>T. VCF-style: chr11-118478083-C-T. GRCh37 (hg19) VCF-style: chr11-118348798-C-T.
Other names: c.3451C>T, p.Arg1151Ter (NM_005933.4); short protein forms R1151*.
Identifiers: ClinVar variation 521403 (VCV000521403.17), dbSNP rs868985556, ClinGen allele CA382824734.
Genomic context (GRCh38, chr11:118,478,083, plus strand): 5'-CCAATTAAACCTGTCACTAGAAACAAGGCACCCCAGGAACCTCCAGTAAAGAAAGGACGT[C>T]GATCGAGGCGGTGTGGGCAGTGTCCCGGCTGCCAGGTGCCTGAGGACTGTGGTGTTTGTA-3'